The following is an entry in ClinVar:

ClinVar aggregate classification (germline): Pathogenic (1 of 4 stars; one submission).

Submission:

Labcorp Genetics (formerly Invitae), Labcorp
Classification: Pathogenic. Last evaluated: 2022-11-29. Review status: criteria provided, single submitter. Criteria: Invitae Variant Classification Sherloc (09022015). Collection method: clinical testing. Allele origin: germline.
Comment: For these reasons, this variant has been classified as Pathogenic. This variant has not been reported in the literature in individuals affected with CERKL-related conditions. This variant is not present in population databases (gnomAD no frequency). This sequence change creates a premature translational stop signal (p.Leu126*) in the CERKL gene. It is expected to result in an absent or disrupted protein product. Loss-of-function variants in CERKL are known to be pathogenic (PMID: 14681825, 23591405, 24043777).

Literature cited by the submitters: PubMed 14681825; PubMed 23591405; PubMed 24043777.

NM_201548.5(CERKL):c.377T>A (p.Leu126Ter)

Gene: CERKL (CERK like autophagy regulator; minus strand). Cytogenetic location: 2q31.3.
Variant type: single nucleotide variant.
Coding change: c.377T>A on transcript NM_201548.5 (MANE Select); coding-DNA position 377, T replaced by A.
Protein change: p.Leu126Ter; replaces leucine 126 with a stop codon.
Molecular consequence: nonsense. On other transcripts: non-coding transcript variant (2).
Genome position (GRCh38, 1-based): chr2:181,603,941, A>T on the plus strand (T>A on the coding strand, the complement: CERKL is on the minus strand). VCF-style: chr2-181603941-A-T. GRCh37 (hg19) VCF-style: chr2-182468668-A-T.
Other names: c.377T>A, p.Leu126Ter (NM_001030311.3, NM_001030312.3, NM_001030313.3 and 3 more transcripts); short protein forms L126*.
Identifiers: ClinVar variation 2817363 (VCV002817363.3), dbSNP rs2468433273, ClinGen allele CA349730339.